The following is an entry in ClinVar:

NM_015466.4(PTPN23):c.2425_2432dup (p.His811fs)

Gene: PTPN23 (protein tyrosine phosphatase non-receptor type 23; plus strand). Cytogenetic location: 3p21.31.
Variant type: Microsatellite.
Coding change: c.2425_2432dup on transcript NM_015466.4 (MANE Select); coding-DNA positions 2425 to 2432, 8 bases duplicated (GGGCCCCA; older notation c.2425_2432dupGGGCCCCA).
Protein change: p.His811fs; shifts the reading frame from histidine 811.
Molecular consequence: frameshift variant.
Genome position (GRCh38, 1-based): chr3:47,410,223-47,410,230, GGGCCCCA duplicated; duplicating any 8 consecutive bases within chr3:47,410,211-47,410,230 gives the same sequence; the c. name uses the placement nearest the transcript's 3' end. VCF-style (leftmost placement, unchanged base first): chr3-47410210-G-GCCCAGGGC. GRCh37 (hg19) VCF-style: chr3-47451700-G-GCCCAGGGC.
Other names: c.2047_2054dup, p.His685fs (NM_001304482.2); short protein forms H685fs, H811fs.
Identifiers: ClinVar variation 1907485 (VCV001907485.5), dbSNP rs752707578, ClinGen allele CA2366031.

ClinVar aggregate classification (germline): Pathogenic (1 of 4 stars; one submission).

Submission:

Labcorp Genetics (formerly Invitae), Labcorp
Classification: Pathogenic. Last evaluated: 2024-01-24. Review status: criteria provided, single submitter. Criteria: Invitae Variant Classification Sherloc (09022015). Collection method: clinical testing. Allele origin: germline.
Comment: This sequence change creates a premature translational stop signal (p.His811Glnfs*8) in the PTPN23 gene. It is expected to result in an absent or disrupted protein product. Loss-of-function variants in PTPN23 are known to be pathogenic (PMID: 29090338, 29899372). This variant is present in population databases (rs752707578, gnomAD 0.004%). This variant has not been reported in the literature in individuals affected with PTPN23-related conditions. For these reasons, this variant has been classified as Pathogenic.

Literature cited by the submitters: PubMed 29090338; PubMed 29899372.